The following is an entry in ClinVar:

ClinVar aggregate classification (germline): Uncertain significance. Review status: criteria provided, multiple submitters, no conflicts (2 of 4 stars). 2 submissions from 2 submitters: Uncertain significance (2). Last evaluated 2025-06-09.

Conditions:
Cardiomyopathy (CMYO). Also called: Cardiomyopathies. Identifiers: Orphanet 167848, MedGen C0878544, MONDO:0004994, HP:0001638. Inheritance: Various modes of inheritance.
Arrhythmogenic cardiomyopathy with wooly hair and keratoderma. Also called: Dilated cardiomyopathy with woolly hair and keratoderma; Arrhythmogenic cardiomyopathy with woolly hair and keratoderma; PALMOPLANTAR KERATODERMA WITH LEFT VENTRICULAR CARDIOMYOPATHY AND WOOLLY HAIR; Carvajal syndrome. Identifiers: Orphanet 65282, MedGen C1854063, MONDO:0011581, OMIM 605676.
Arrhythmogenic right ventricular dysplasia 8 (ARVD8). Also called: Arrhythmogenic Right Ventricular Dysplasia/Cardiomyopathy 8; ARRHYTHMOGENIC RIGHT VENTRICULAR DYSPLASIA, FAMILIAL, 8; ARRHYTHMOGENIC RIGHT VENTRICULAR CARDIOMYOPATHY 8. Identifiers: MedGen C1843896, MONDO:0011831, OMIM 607450.

Submissions (2):

Color Diagnostics, LLC DBA Color Health
Classification: Uncertain significance for Cardiomyopathy. Last evaluated: 2025-06-09. Review status: criteria provided, single submitter. Criteria: ACMG Guidelines, 2015. Collection method: clinical testing. Allele origin: germline.
Comment: This missense variant replaces methionine with valine at codon 571 of the DSP protein. Computational prediction is inconclusive regarding the impact of this variant on protein structure and function. To our knowledge, functional studies have not been reported for this variant. This variant has not been reported in individuals affected with DSP-related disorders in the literature. This variant has not been identified in the general population by the Genome Aggregation Database (gnomAD). The available evidence is insufficient to determine the role of this variant in disease conclusively. Therefore, this variant is classified as a Variant of Uncertain Significance.

Labcorp Genetics (formerly Invitae), Labcorp
Classification: Uncertain significance for Arrhythmogenic cardiomyopathy with wooly hair and keratoderma; Arrhythmogenic right ventricular dysplasia 8. Last evaluated: 2023-10-06. Review status: criteria provided, single submitter. Criteria: Invitae Variant Classification Sherloc (09022015). Collection method: clinical testing. Allele origin: germline.
Comment: This sequence change replaces methionine, which is neutral and non-polar, with valine, which is neutral and non-polar, at codon 571 of the DSP protein (p.Met571Val). This variant is not present in population databases (gnomAD no frequency). This variant has not been reported in the literature in individuals affected with DSP-related conditions. An algorithm developed to predict the effect of missense changes on protein structure and function (PolyPhen-2) suggests that this variant is likely to be disruptive. In summary, the available evidence is currently insufficient to determine the role of this variant in disease. Therefore, it has been classified as a Variant of Uncertain Significance.

NM_004415.4(DSP):c.1711A>G (p.Met571Val)

Gene: DSP (desmoplakin; plus strand). Cytogenetic location: 6p24.3.
Variant type: single nucleotide variant.
Coding change: c.1711A>G on transcript NM_004415.4 (MANE Select); coding-DNA position 1711, A replaced by G.
Protein change: p.Met571Val; replaces methionine 571 with valine.
Molecular consequence: missense variant.
Genome position (GRCh38, 1-based): chr6:7,571,392, A>G. VCF-style: chr6-7571392-A-G. GRCh37 (hg19) VCF-style: chr6-7571625-A-G.
Other names: c.1711A>G, p.Met571Val (NM_001008844.3, NM_001319034.2); short protein forms M571V.
Identifiers: ClinVar variation 2923745 (VCV002923745.4), dbSNP rs2533893426, ClinGen allele CA362678898.